The following is an entry in ClinVar:

ClinVar aggregate classification (germline): Uncertain significance (1 of 4 stars; one submission).

Conditions:
Fanconi anemia (FA). Also called: Fanconi's anemia. Identifiers: Orphanet 84, MedGen C0015625, MeSH D005199, MONDO:0019391.

Submission:

Labcorp Genetics (formerly Invitae), Labcorp
Classification: Uncertain significance for Fanconi anemia. Last evaluated: 2021-04-27. Review status: criteria provided, single submitter. Criteria: Invitae Variant Classification Sherloc (09022015). Collection method: clinical testing. Allele origin: germline.
Comment: In summary, the available evidence is currently insufficient to determine the role of this variant in disease. Therefore, it has been classified as a Variant of Uncertain Significance. Algorithms developed to predict the effect of missense changes on protein structure and function are either unavailable or do not agree on the potential impact of this missense change (SIFT: "Tolerated"; PolyPhen-2: "Possibly Damaging"; Align-GVGD: "Class C0"). This variant has not been reported in the literature in individuals with FANCC-related conditions. This sequence change replaces cysteine with phenylalanine at codon 274 of the FANCC protein (p.Cys274Phe). The cysteine residue is moderately conserved and there is a large physicochemical difference between cysteine and phenylalanine. This variant is not present in population databases (ExAC no frequency).

NM_000136.3(FANCC):c.821G>T (p.Cys274Phe)

Genes: AOPEP (aminopeptidase O (putative); plus strand), FANCC (FA complementation group C; minus strand). Cytogenetic location: 9q22.32.
Variant type: single nucleotide variant.
Coding change: c.821G>T on transcript NM_000136.3 (MANE Select); coding-DNA position 821, G replaced by T.
Protein change: p.Cys274Phe; replaces cysteine 274 with phenylalanine.
Molecular consequence: missense variant.
Genome position (GRCh38, 1-based): chr9:95,135,368, C>A on the plus strand (G>T on the coding strand, the complement: FANCC is on the minus strand). VCF-style: chr9-95135368-C-A. GRCh37 (hg19) VCF-style: chr9-97897650-C-A.
Other names: c.821G>T, p.Cys274Phe (NM_001243743.2, NM_001243744.2); short protein forms C274F.
Identifiers: ClinVar variation 1349295 (VCV001349295.8), dbSNP rs2135165383, ClinGen allele CA374109214.